The following is an entry in ClinVar:

NM_032888.4(COL27A1):c.2303C>T (p.Pro768Leu)

Gene: COL27A1 (collagen type XXVII alpha 1 chain; plus strand). Cytogenetic location: 9q32.
Variant type: single nucleotide variant.
Coding change: c.2303C>T on transcript NM_032888.4 (MANE Select); coding-DNA position 2303, C replaced by T.
Protein change: p.Pro768Leu; replaces proline 768 with leucine.
Molecular consequence: missense variant.
Genome position (GRCh38, 1-based): chr9:114,209,709, C>T. VCF-style: chr9-114209709-C-T. GRCh37 (hg19) VCF-style: chr9-116971989-C-T.
Other names: short protein forms P768L.
Identifiers: ClinVar variation 2016246 (VCV002016246.4), dbSNP rs2490928322, ClinGen allele CA374601261.

ClinVar aggregate classification (germline): Uncertain significance (1 of 4 stars; one submission).

Submission:

Labcorp Genetics (formerly Invitae), Labcorp
Classification: Uncertain significance. Last evaluated: 2023-07-17. Review status: criteria provided, single submitter. Criteria: Invitae Variant Classification Sherloc (09022015). Collection method: clinical testing. Allele origin: germline.
Comment: This variant has not been reported in the literature in individuals affected with COL27A1-related conditions. In summary, the available evidence is currently insufficient to determine the role of this variant in disease. Therefore, it has been classified as a Variant of Uncertain Significance. Advanced modeling of protein sequence and biophysical properties (such as structural, functional, and spatial information, amino acid conservation, physicochemical variation, residue mobility, and thermodynamic stability) performed at Invitae indicates that this missense variant is not expected to disrupt COL27A1 protein function. ClinVar contains an entry for this variant (Variation ID: 2016246). This variant is not present in population databases (gnomAD no frequency). This sequence change replaces proline, which is neutral and non-polar, with leucine, which is neutral and non-polar, at codon 768 of the COL27A1 protein (p.Pro768Leu).